The following is an entry in ClinVar:

ClinVar aggregate classification (germline): Uncertain significance. Review status: criteria provided, multiple submitters, no conflicts (2 of 4 stars). 2 submissions from 2 submitters: Uncertain significance (2). Last evaluated 2025-04-28.

Allele frequency attached by ClinVar (database versions not stated): gnomAD exomes below 0.00001; ExAC 0.00001; gnomAD 0.00001; TOPMed 0.00004; ESP Exome Variant Server 0.00008.
gnomAD v4.1: 4 of 1,604,224 alleles (0.00025%); highest among the groups gnomAD compares: African/African-American, 0.004%; no homozygotes.

Submissions (2):

Labcorp Genetics (formerly Invitae), Labcorp
Classification: Uncertain significance. Last evaluated: 2025-04-28. Review status: criteria provided, single submitter. Criteria: Invitae Variant Classification Sherloc (09022015). Collection method: clinical testing. Allele origin: germline.
Comment: This sequence change replaces proline, which is neutral and non-polar, with leucine, which is neutral and non-polar, at codon 1001 of the NPAT protein (p.Pro1001Leu). This variant is present in population databases (rs377280872, gnomAD 0.01%). This variant has not been reported in the literature in individuals affected with NPAT-related conditions. ClinVar contains an entry for this variant (Variation ID: 2496683). An algorithm developed to predict the effect of missense changes on protein structure and function outputs the following: PolyPhen-2: "Benign". The leucine amino acid residue is found in multiple mammalian species, which suggests that this missense change does not adversely affect protein function. In summary, the available evidence is currently insufficient to determine the role of this variant in disease. Therefore, it has been classified as a Variant of Uncertain Significance.

Ambry Genetics
Classification: Uncertain significance. Last evaluated: 2025-04-09. Review status: criteria provided, single submitter. Criteria: Ambry Variant Classification Scheme 2023. Collection method: clinical testing. Allele origin: germline.

NM_002519.3(NPAT):c.3002C>T (p.Pro1001Leu)

Gene: NPAT (nuclear protein, coactivator of histone transcription; minus strand). Cytogenetic location: 11q22.3.
Variant type: single nucleotide variant.
Coding change: c.3002C>T on transcript NM_002519.3 (MANE Select); coding-DNA position 3002, C replaced by T.
Protein change: p.Pro1001Leu; replaces proline 1001 with leucine.
Molecular consequence: missense variant.
Genome position (GRCh38, 1-based): chr11:108,169,752, G>A on the plus strand (C>T on the coding strand, the complement: NPAT is on the minus strand). VCF-style: chr11-108169752-G-A. GRCh37 (hg19) VCF-style: chr11-108040479-G-A.
Other names: c.3002C>T, p.Pro1001Leu (NM_001321307.1); short protein forms P1001L.
Identifiers: ClinVar variation 2496683 (VCV002496683.4), dbSNP rs377280872, ClinGen allele CA6263687.